The following is an entry in ClinVar:

NM_000228.3(LAMB3):c.428G>A (p.Trp143Ter)

Gene: LAMB3 (laminin subunit beta 3; minus strand). Cytogenetic location: 1q32.2.
Variant type: single nucleotide variant.
Coding change: c.428G>A on transcript NM_000228.3 (MANE Select); coding-DNA position 428, G replaced by A.
Protein change: p.Trp143Ter; replaces tryptophan 143 with a stop codon.
Molecular consequence: nonsense.
Genome position (GRCh38, 1-based): chr1:209,634,583, C>T on the plus strand (G>A on the coding strand, the complement: LAMB3 is on the minus strand). VCF-style: chr1-209634583-C-T. GRCh37 (hg19) VCF-style: chr1-209807928-C-T.
Other names: c.428G>A, p.Trp143Ter (NM_001017402.2, NM_001127641.1); short protein forms W143*.
Identifiers: ClinVar variation 1339201 (VCV001339201.10), dbSNP rs2102438650, ClinGen allele CA344596121.
Genomic context (GRCh38, chr1:209,634,583, plus strand): 5'-CCCTGGCGGACCCGAGGGAAGGTGGAGGTGCAGTCGGCAGCCAGGTACTGGTACACTCGC[C>T]AGGTCTTACCGAAGTCTGAGGAGCGCTCAATCAGCATGCCGGCGGGCATGGGCCCCTGTG-3'

ClinVar aggregate classification (germline): Pathogenic/Likely pathogenic. Review status: criteria provided, multiple submitters, no conflicts (2 of 4 stars). 2 submissions from 2 submitters: Pathogenic (1); Likely pathogenic (1). Last evaluated 2021-05-02.

Conditions:
Junctional epidermolysis bullosa gravis of Herlitz. Also called: Epidermolysis Bullosa Letalis; EPIDERMOLYSIS BULLOSA JUNCTIONALIS, HERLITZ TYPE; EPIDERMOLYSIS BULLOSA, JUNCTIONAL, HERLITZ-PEARSON TYPE; EPIDERMOLYSIS BULLOSA, JUNCTIONAL 1B, SEVERE; JEB-HERLITZ TYPE; Herlitz-type junctional epidermolysis bullosa. Identifiers: Orphanet 79404, MedGen C0079683, MONDO:0009182, OMIM 226700.

Allele frequency attached by ClinVar (database versions not stated): gnomAD exomes below 0.00001.
gnomAD v4.1: 1 of 1,614,136 alleles (0.000062%); highest among the groups gnomAD compares: South Asian, 0.0011%; no homozygotes.

Submissions (2):

Labcorp Genetics (formerly Invitae), Labcorp
Classification: Pathogenic. Last evaluated: 2021-05-02. Review status: criteria provided, single submitter. Criteria: Invitae Variant Classification Sherloc (09022015). Collection method: clinical testing. Allele origin: germline.
Comment: This sequence change creates a premature translational stop signal (p.Trp143*) in the LAMB3 gene. It is expected to result in an absent or disrupted protein product. Loss-of-function variants in LAMB3 are known to be pathogenic (PMID: 11023379, 16473856). This variant is not present in population databases (ExAC no frequency). This nonsense change has been observed in individual(s) with Herlitz junctional epidermolysis bullosa (PMID: 15373767). For these reasons, this variant has been classified as Pathogenic.

Neuberg Centre For Genomic Medicine, NCGM
Classification: Likely pathogenic for Junctional epidermolysis bullosa gravis of Herlitz. Review status: criteria provided, single submitter. Criteria: ACMG Guidelines, 2015. Collection method: clinical testing. Allele origin: germline. Affected: yes.
Comment: The stop gained p.W143* in LAMB3 (NM_000228.3) has not been reported previously as a pathogenic variant nor as a benign variant, to our knowledge. The p.W143* variant is novel (not in any individuals) in gnomAD Exomes and is novel (not in any individuals) in 1000 Genomes. This variant is predicted to cause loss of normal protein function through protein truncation. Loss of function variants have been reported previously in epidermolysis bullosa. For these reasons, this variant has been classified as Likely Pathogenic.

Literature cited by the submitters: PubMed 11023379 (cited by Labcorp Genetics (formerly Invitae), Labcorp); PubMed 16473856 (cited by Labcorp Genetics (formerly Invitae), Labcorp); PubMed 15373767 (cited by Labcorp Genetics (formerly Invitae), Labcorp).